The following is an entry in ClinVar:

ClinVar aggregate classification (germline): Likely benign. Review status: criteria provided, single submitter (1 of 4 stars). 2 submissions from 2 submitters: Likely benign (1). 1 of the submissions does not count toward it. Last evaluated 2024-08-28.

Conditions:
MYH3-related disorder. Also called: MYH3-Related Disorders; MYH3-related condition. Identifiers: MedGen CN239329.

Allele frequency attached by ClinVar (database versions not stated): gnomAD 0.00001; gnomAD exomes 0.00001; TOPMed 0.00001; ExAC 0.00002.
gnomAD v4.1: 21 of 1,613,710 alleles (0.0013%); highest among the groups gnomAD compares: Non-Finnish European, 0.0015%; no homozygotes.

Submissions (2):

Labcorp Genetics (formerly Invitae), Labcorp
Classification: Likely benign. Last evaluated: 2024-08-28. Review status: criteria provided, single submitter. Criteria: Invitae Variant Classification Sherloc (09022015). Collection method: clinical testing. Allele origin: germline.

PreventionGenetics, part of Exact Sciences
Classification: Likely benign for MYH3-related condition. Last evaluated: 2019-06-26. Review status: no assertion criteria provided. Collection method: clinical testing. Allele origin: germline. Not counted in ClinVar's aggregate classification.
Comment: This variant is classified as likely benign based on ACMG/AMP sequence variant interpretation guidelines (Richards et al. 2015 PMID: 25741868, with internal and published modifications).

NM_002470.4(MYH3):c.3576G>A (p.Ala1192=)

Gene: MYH3 (myosin heavy chain 3; minus strand). Cytogenetic location: 17p13.1.
Variant type: single nucleotide variant.
Coding change: c.3576G>A on transcript NM_002470.4 (MANE Select); coding-DNA position 3576, G replaced by A.
Protein change: p.Ala1192=; no amino-acid change (alanine 1192 retained).
Molecular consequence: synonymous variant.
Genome position (GRCh38, 1-based): chr17:10,638,196, C>T on the plus strand (G>A on the coding strand, the complement: MYH3 is on the minus strand). VCF-style: chr17-10638196-C-T. GRCh37 (hg19) VCF-style: chr17-10541513-C-T.
Other names: c.3576G>A (NM_002470.3).
Identifiers: ClinVar variation 1895737 (VCV001895737.7), dbSNP rs757802039, ClinGen allele CA8392472.